The following is an entry in ClinVar:

ClinVar aggregate classification (germline): Likely benign (0 of 4 stars; one submission).

Conditions:
SEMA3D-related disorder. Also called: SEMA3D-related condition.

gnomAD v4.1: 1 of 1,614,028 alleles (0.000062%); highest among the groups gnomAD compares: Non-Finnish European, 0.000085%; no homozygotes.

Submission:

PreventionGenetics, part of Exact Sciences
Classification: Likely benign for SEMA3D-related condition. Last evaluated: 2021-09-14. Review status: no assertion criteria provided. Collection method: clinical testing. Allele origin: germline.
Comment: This variant is classified as likely benign based on ACMG/AMP sequence variant interpretation guidelines (Richards et al. 2015 PMID: 25741868, with internal and published modifications).

NM_001384900.1(SEMA3D):c.2113C>T (p.Leu705=)

Genes: SEMA3D (semaphorin 3D; minus strand), LOC126860094 (BRD4-independent group 4 enhancer GRCh37_chr7:84628763-84629962; plus strand). Cytogenetic location: 7q21.11.
Variant type: single nucleotide variant.
Coding change: c.2113C>T on transcript NM_001384900.1 (MANE Select); coding-DNA position 2113, C replaced by T.
Protein change: p.Leu705=; no amino-acid change (leucine 705 retained).
Molecular consequence: synonymous variant.
Genome position (GRCh38, 1-based): chr7:84,999,661, G>A on the plus strand (C>T on the coding strand, the complement: SEMA3D is on the minus strand). VCF-style: chr7-84999661-G-A. GRCh37 (hg19) VCF-style: chr7-84628977-G-A.
Other names: c.2113C>T, p.Leu705= (NM_001384901.1, NM_001384902.1, NM_001384903.1 and 1 more transcripts).
Identifiers: ClinVar variation 3355725 (VCV003355725.1).